The following is an entry in ClinVar:

ClinVar aggregate classification (germline): Likely benign. Review status: criteria provided, multiple submitters, no conflicts (2 of 4 stars). 2 submissions from 2 submitters: Likely benign (2). Last evaluated 2026-04-26.

Conditions:
Inborn genetic diseases. Identifiers: MedGen C0950123, MeSH D030342.

Submissions (2):

Ambry Genetics
Classification: Likely benign for Inborn genetic diseases. Last evaluated: 2026-04-26. Review status: criteria provided, single submitter. Criteria: Ambry Variant Classification Scheme 2023. Collection method: clinical testing. Allele origin: germline.

CeGaT Center for Human Genetics Tuebingen
Classification: Likely benign. Last evaluated: 2025-03-01. Review status: criteria provided, single submitter. Criteria: CeGaT Center For Human Genetics Tuebingen Variant Classification Criteria Version 2. Collection method: clinical testing. Allele origin: germline. Affected: yes. Observed: 1 variant allele.
Comment: PIK3CA: PM2:Supporting, BP4, BP7

NM_006218.4(PIK3CA):c.2095T>C (p.Leu699=)

Gene: PIK3CA (phosphatidylinositol-4,5-bisphosphate 3-kinase catalytic subunit alpha; plus strand). Cytogenetic location: 3q26.32.
Variant type: single nucleotide variant.
Coding change: c.2095T>C on transcript NM_006218.4 (MANE Select); coding-DNA position 2095, T replaced by C.
Protein change: p.Leu699=; no amino-acid change (leucine 699 retained).
Molecular consequence: synonymous variant.
Genome position (GRCh38, 1-based): chr3:179,221,065, T>C. VCF-style: chr3-179221065-T-C. GRCh37 (hg19) VCF-style: chr3-178938853-T-C.
Identifiers: ClinVar variation 3778052 (VCV003778052.8).